The following is an entry in ClinVar:

ClinVar aggregate classification (germline): Uncertain significance (0 of 4 stars; one submission).

Conditions:
TERT-related disorder. Also called: TERT-related disorders; TERT-related condition.

Submission:

PreventionGenetics, part of Exact Sciences
Classification: Uncertain significance for TERT-related condition. Last evaluated: 2024-03-29. Review status: no assertion criteria provided. Collection method: clinical testing. Allele origin: germline.
Comment: The TERT c.3374C>T variant is predicted to result in the amino acid substitution p.Ser1125Leu. To our knowledge, this variant has not been reported in the literature. This variant is reported in 0.0033% of alleles in individuals of South Asian descent in gnomAD. At this time, the clinical significance of this variant is uncertain due to the absence of conclusive functional and genetic evidence.

NM_198253.3(TERT):c.3374C>T (p.Ser1125Leu)

Gene: TERT (telomerase reverse transcriptase; minus strand). Cytogenetic location: 5p15.33.
Variant type: single nucleotide variant.
Coding change: c.3374C>T on transcript NM_198253.3 (MANE Select); coding-DNA position 3374, C replaced by T.
Protein change: p.Ser1125Leu; replaces serine 1125 with leucine.
Molecular consequence: missense variant. On other transcripts: non-coding transcript variant (2).
Genome position (GRCh38, 1-based): chr5:1,253,753, G>A on the plus strand (C>T on the coding strand, the complement: TERT is on the minus strand). VCF-style: chr5-1253753-G-A. GRCh37 (hg19) VCF-style: chr5-1253868-G-A.
Other names: c.3185C>T, p.Ser1062Leu (NM_001193376.3); short protein forms S1062L, S1125L.
Identifiers: ClinVar variation 3347940 (VCV003347940.1).